The following is an entry in ClinVar:

NM_004006.3(DMD):c.4139A>G (p.His1380Arg)

Gene: DMD (dystrophin; minus strand). Cytogenetic location: Xp21.1.
Variant type: single nucleotide variant.
Coding change: c.4139A>G on transcript NM_004006.3 (MANE Select); coding-DNA position 4139, A replaced by G.
Protein change: p.His1380Arg; replaces histidine 1380 with arginine.
Molecular consequence: missense variant.
Genome position (GRCh38, 1-based): chrX:32,411,846, T>C on the plus strand (A>G on the coding strand, the complement: DMD is on the minus strand). VCF-style: chrX-32411846-T-C. GRCh37 (hg19) VCF-style: chrX-32429963-T-C.
Other names: c.4115A>G, p.His1372Arg (NM_000109.4); c.4127A>G, p.His1376Arg (NM_004009.3); c.3770A>G, p.His1257Arg (NM_004010.3); c.116A>G, p.His39Arg (NM_004011.4); c.107A>G, p.His36Arg (NM_004012.4); short protein forms H39R, H1257R, H1376R, H36R, H1372R, H1380R.
Identifiers: ClinVar variation 946295 (VCV000946295.8), dbSNP rs2098143120, ClinGen allele CA412666454.

ClinVar aggregate classification (germline): Uncertain significance. Review status: criteria provided, single submitter (1 of 4 stars). 2 submissions from 2 submitters: Uncertain significance (1). 1 of the submissions does not count toward it. Last evaluated 2021-08-28.

Conditions:
Duchenne muscular dystrophy (DMD). Also called: Duchenne Muscular Dystrophy (DMD); MUSCULAR DYSTROPHY, PSEUDOHYPERTROPHIC PROGRESSIVE, DUCHENNE TYPE. Identifiers: Orphanet 98896, MedGen C0013264, MONDO:0010679, OMIM 310200.
Cardiomyopathy (CMYO). Also called: Cardiomyopathies. Identifiers: Orphanet 167848, MedGen C0878544, MONDO:0004994, HP:0001638. Inheritance: Various modes of inheritance.
Dystrophin deficiency.
Becker muscular dystrophy (BMD). Also called: MUSCULAR DYSTROPHY, PSEUDOHYPERTROPHIC PROGRESSIVE, BECKER TYPE; Becker Muscular Dystrophy (BMD). Identifiers: Orphanet 98895, MedGen C0917713, MONDO:0010311, OMIM 300376.

Submissions (2):

Labcorp Genetics (formerly Invitae), Labcorp
Classification: Uncertain significance for Duchenne muscular dystrophy. Last evaluated: 2021-08-28. Review status: criteria provided, single submitter. Criteria: Invitae Variant Classification Sherloc (09022015). Collection method: clinical testing. Allele origin: germline.
Comment: This sequence change replaces histidine with arginine at codon 1380 of the DMD protein (p.His1380Arg). The histidine residue is moderately conserved and there is a small physicochemical difference between histidine and arginine. This variant is not present in population databases (ExAC no frequency). This variant has not been reported in the literature in individuals affected with DMD-related conditions. Algorithms developed to predict the effect of missense changes on protein structure and function output the following: SIFT: "Tolerated"; PolyPhen-2: "Benign"; Align-GVGD: "Class C0". The arginine amino acid residue is found in multiple mammalian species, which suggests that this missense change does not adversely affect protein function. In summary, the available evidence is currently insufficient to determine the role of this variant in disease. Therefore, it has been classified as a Variant of Uncertain Significance.

Natera, Inc.
Classification: Uncertain significance for Becker muscular dystrophy; Cardiomyopathy; Duchenne muscular dystrophy; Dystrophin deficiency. Last evaluated: 2020-11-04. Review status: no assertion criteria provided. Collection method: clinical testing. Allele origin: germline. Not counted in ClinVar's aggregate classification.